The following is an entry in ClinVar:

NM_000203.5(IDUA):c.1230del (p.Val411fs)

Gene: IDUA (alpha-L-iduronidase; plus strand). Cytogenetic location: 4p16.3.
Variant type: Deletion.
Coding change: c.1230del on transcript NM_000203.5 (MANE Select); coding-DNA position 1230, one base deleted (C; older notation c.1230delC).
Protein change: p.Val411fs; shifts the reading frame from valine 411.
Molecular consequence: frameshift variant. On other transcripts: non-coding transcript variant (1).
Genome position (GRCh38, 1-based): chr4:1,002,772, C deleted; the last of 2 consecutive C bases (chr4:1,002,771-1,002,772); deleting either gives the same sequence. VCF-style (leftmost placement, unchanged base first): chr4-1002770-AC-A. GRCh37 (hg19) VCF-style: chr4-996558-AC-A.
Other names: c.834del, p.Val279fs (NM_001363576.1); short protein forms V279fs, V411fs.
Identifiers: ClinVar variation 5014821 (VCV005014821.1).

ClinVar aggregate classification (germline): Pathogenic (1 of 4 stars; one submission).

Conditions:
Mucopolysaccharidosis type 1. Also called: Mucopolysaccharidosis Type I; IDUA deficiency; MPS I. Identifiers: Orphanet 579, MedGen C0023786, MONDO:0001586.

Submission:

Myriad Genetics, Inc.
Classification: Pathogenic for Mucopolysaccharidosis type 1. Last evaluated: 2025-08-06. Review status: criteria provided, single submitter. Criteria: Myriad Autosomal Dominant, Autosomal Recessive and X-Linked Classification Criteria (2023). Collection method: clinical testing. Allele origin: unknown.
Comment: NM_000203.3(IDUA):c.1230delC(V411Sfs*29) is expected to be pathogenic in the context of mucopolysaccharidosis type I. This variant is predicted to lead to an abnormal or absent protein product due to the creation of a premature termination codon in IDUA, a gene where loss-of-function variants are known to be pathogenic. Please note: this variant was assessed in the context of healthy population screening.